The following is an entry in ClinVar:

ClinVar aggregate classification (germline): Likely benign. Review status: criteria provided, multiple submitters, no conflicts (2 of 4 stars). 4 submissions from 4 submitters: Likely benign (4). Last evaluated 2025-08-11.

Conditions:
Ehlers-Danlos syndrome, kyphoscoliotic type 1 (EDSKSCL1). Also called: PLOD1-Related Kyphoscoliotic Ehlers-Danlos Syndrome; Ehlers-Danlos syndrome, hydroxylysine-deficient; EHLERS-DANLOS SYNDROME, TYPE VIA; EHLERS-DANLOS SYNDROME, OCULAR-SCOLIOTIC TYPE. Identifiers: Orphanet 1900, MedGen C0268342, MONDO:0016002, OMIM 225400. Disease mechanism: loss of function.
Familial thoracic aortic aneurysm and aortic dissection (TAAD). Also called: Thoracic aortic aneurysms and dissections. Identifiers: Orphanet 91387, MedGen C4707243, MONDO:0019625.

Allele frequency attached by ClinVar (database versions not stated): TOPMed 0.00003; ESP Exome Variant Server 0.00008.
gnomAD v4.1: 36 of 1,613,020 alleles (0.0022%); highest among the groups gnomAD compares: Middle Eastern, 0.033%; no homozygotes.

Submissions (4):

Labcorp Genetics (formerly Invitae), Labcorp
Classification: Likely benign for Ehlers-Danlos syndrome, kyphoscoliotic type 1. Last evaluated: 2025-08-11. Review status: criteria provided, single submitter. Criteria: Invitae Variant Classification Sherloc (09022015). Collection method: clinical testing. Allele origin: germline.

CeGaT Center for Human Genetics Tuebingen
Classification: Likely benign. Last evaluated: 2025-08-01. Review status: criteria provided, single submitter. Criteria: CeGaT Center For Human Genetics Tuebingen Variant Classification Criteria Version 2. Collection method: clinical testing. Allele origin: germline. Affected: yes. Observed: 1 variant allele.
Comment: PLOD1: BP4, BP7

Mayo Clinic Laboratories, Mayo Clinic
Classification: Likely benign. Last evaluated: 2025-01-04. Review status: criteria provided, single submitter. Criteria: ACMG Guidelines, 2015. Collection method: clinical testing. Allele origin: germline. Observed: 2 variant alleles.

Ambry Genetics
Classification: Likely benign for Familial thoracic aortic aneurysm and aortic dissection. Last evaluated: 2016-12-05. Review status: criteria provided, single submitter. Criteria: Ambry Variant Classification Scheme 2023. Collection method: clinical testing. Allele origin: germline.

NM_000302.4(PLOD1):c.1791G>C (p.Pro597=)

Gene: PLOD1 (procollagen-lysine,2-oxoglutarate 5-dioxygenase 1; plus strand). Cytogenetic location: 1p36.22.
Variant type: single nucleotide variant.
Coding change: c.1791G>C on transcript NM_000302.4 (MANE Select); coding-DNA position 1791, G replaced by C.
Protein change: p.Pro597=; no amino-acid change (proline 597 retained).
Molecular consequence: synonymous variant.
Genome position (GRCh38, 1-based): chr1:11,970,705, G>C. VCF-style: chr1-11970705-G-C. GRCh37 (hg19) VCF-style: chr1-12030762-G-C.
Other names: p.Pro597=; c.1932G>C, p.Pro644= (NM_001316320.2).
Identifiers: ClinVar variation 520115 (VCV000520115.23), dbSNP rs151051718, ClinGen allele CA598569.